The following is an entry in ClinVar:

ClinVar aggregate classification (germline): Uncertain significance (1 of 4 stars; one submission).

Conditions:
Autosomal recessive limb-girdle muscular dystrophy type 2J (LGMDR10). Also called: Limb-girdle muscular dystrophy, type 2J; MUSCULAR DYSTROPHY, LIMB-GIRDLE, AUTOSOMAL RECESSIVE 10. Identifiers: Orphanet 140922, MedGen C1837342, MONDO:0012127, OMIM 608807.
Dilated cardiomyopathy 1G (CMD1G). Identifiers: Orphanet 154, MedGen C1858763, MONDO:0011400, OMIM 604145.

gnomAD v4.1: 5 of 1,613,968 alleles (0.00031%); highest among the groups gnomAD compares: East Asian, 0.011%; no homozygotes.

Submission:

Labcorp Genetics (formerly Invitae), Labcorp
Classification: Uncertain significance for Dilated cardiomyopathy 1G; Autosomal recessive limb-girdle muscular dystrophy type 2J. Last evaluated: 2025-07-20. Review status: criteria provided, single submitter. Criteria: Invitae Variant Classification Sherloc (09022015). Collection method: clinical testing. Allele origin: germline.
Comment: This sequence change replaces arginine, which is basic and polar, with lysine, which is basic and polar, at codon 35222 of the TTN protein (p.Arg35222Lys). This variant is present in population databases (rs778776695, gnomAD 0.03%). This variant has not been reported in the literature in individuals affected with TTN-related conditions. ClinVar contains an entry for this variant (Variation ID: 3760857). An algorithm developed to predict the effect of missense changes on protein structure and function outputs the following: PolyPhen-2: "Not Available". The lysine amino acid residue is found in multiple mammalian species, which suggests that this missense change does not adversely affect protein function. This variant is located in the M band of TTN (PMID: 25589632). Non-truncating variants in this region may be relevant for neuromuscular disorders, but have not been definitively shown to cause cardiomyopathy (PMID: 23975875). In summary, the available evidence is currently insufficient to determine the role of this variant in disease. Therefore, it has been classified as a Variant of Uncertain Significance.

Literature cited by the submitters: PubMed 25589632; PubMed 23975875.

NM_001267550.2(TTN):c.105665G>A (p.Arg35222Lys)

Genes: TTN-AS1 (TTN antisense RNA 1; plus strand), TTN (titin; minus strand), LOC129935183 (ATAC-STARR-seq lymphoblastoid active region 16808; plus strand). Cytogenetic location: 2q31.2.
Variant type: single nucleotide variant.
Coding change: c.105665G>A on transcript NM_001267550.2 (MANE Select); coding-DNA position 105665, G replaced by A.
Protein change: p.Arg35222Lys; replaces arginine 35222 with lysine.
Molecular consequence: missense variant.
Genome position (GRCh38, 1-based): chr2:178,530,950, C>T on the plus strand (G>A on the coding strand, the complement: TTN is on the minus strand). VCF-style: chr2-178530950-C-T. GRCh37 (hg19) VCF-style: chr2-179395677-C-T.
Other names: c.100742G>A, p.Arg33581Lys (NM_001256850.1); c.78470G>A, p.Arg26157Lys (NM_003319.4); c.97961G>A, p.Arg32654Lys (NM_133378.4); c.78845G>A, p.Arg26282Lys (NM_133432.3); c.79046G>A, p.Arg26349Lys (NM_133437.4); short protein forms R26157K, R26282K, R26349K, R32654K, R33581K, R35222K.
Identifiers: ClinVar variation 3760857 (VCV003760857.2).